The following is an entry in ClinVar:

ClinVar aggregate classification (germline): Pathogenic (1 of 4 stars; one submission).

Conditions:
Hearing loss, autosomal dominant 80. Also called: DEAFNESS, AUTOSOMAL DOMINANT 80. Identifiers: MedGen C5543289, MONDO:0030998, OMIM 619274.

Submission:

Institute of Rare Diseases, West China Hospital, Sichuan University
Classification: Pathogenic for Hearing loss, autosomal dominant 80. Last evaluated: 2025-01-09. Review status: criteria provided, single submitter. Criteria: ClinGen HL ACMG Specifications v1. Collection method: research. Allele origin: germline. Affected: yes.
Comment: PVS1;PS2;PM2_Supporting

NM_001142966.3(GREB1L):c.5562dup (p.Asp1855Ter)

Gene: GREB1L (GREB1 like retinoic acid receptor coactivator; plus strand). Cytogenetic location: 18q11.2.
Variant type: Duplication.
Coding change: c.5562dup on transcript NM_001142966.3 (MANE Select); coding-DNA position 5562, one base duplicated (T; older notation c.5562dupT).
Protein change: p.Asp1855Ter; replaces aspartic acid 1855 with a stop codon.
Molecular consequence: nonsense.
Genome position (GRCh38, 1-based): chr18:21,520,777, T duplicated. VCF-style (leftmost placement, unchanged base first): chr18-21520776-G-GT. GRCh37 (hg19) VCF-style: chr18-19100737-G-GT.
Other names: c.5691dup, p.Asp1898Ter (NM_001410867.1); c.5235dup, p.Asp1746Ter (NM_001410868.1); short protein forms D1746*, D1855*, D1898*.
Identifiers: ClinVar variation 3601159 (VCV003601159.1).